The following is an entry in ClinVar:

NM_000548.5(TSC2):c.3431T>C (p.Val1144Ala)

Gene: TSC2 (TSC complex subunit 2; plus strand). Cytogenetic location: 16p13.3.
Variant type: single nucleotide variant.
Coding change: c.3431T>C on transcript NM_000548.5 (MANE Select); coding-DNA position 3431, T replaced by C.
Protein change: p.Val1144Ala; replaces valine 1144 with alanine.
Molecular consequence: missense variant.
Genome position (GRCh38, 1-based): chr16:2,080,198, T>C. VCF-style: chr16-2080198-T-C. GRCh37 (hg19) VCF-style: chr16-2130199-T-C.
Other names: c.3287T>C, p.Val1096Ala (NM_001406673.1); c.3284T>C, p.Val1095Ala (NM_001406675.1); c.3281T>C, p.Val1094Ala (NM_001406676.1); c.3242T>C, p.Val1081Ala (NM_001406677.1); c.3188T>C, p.Val1063Ala (NM_001406678.1); c.3152T>C, p.Val1051Ala (NM_001406679.1); c.2831T>C, p.Val944Ala (NM_001406680.1, NM_001406682.1, NM_001406683.1); c.3320T>C, p.Val1107Ala (NM_001406670.1); and 18 more; short protein forms V1051A, V1095A, V1100A, V1130A, V653A, V696A, V900A, V943A.
Identifiers: ClinVar variation 2076000 (VCV002076000.1), dbSNP rs2151456551, ClinGen allele CA394288583.

ClinVar aggregate classification (germline): Uncertain significance (1 of 4 stars; one submission).

Conditions:
Tuberous sclerosis 2 (TSC2). Identifiers: Orphanet 805, MedGen C1860707, MONDO:0013199, OMIM 613254.

Submission:

Labcorp Genetics (formerly Invitae), Labcorp
Classification: Uncertain significance for Tuberous sclerosis 2. Last evaluated: 2022-09-07. Review status: criteria provided, single submitter. Criteria: Invitae Variant Classification Sherloc (09022015). Collection method: clinical testing. Allele origin: germline.
Comment: This sequence change replaces valine, which is neutral and non-polar, with alanine, which is neutral and non-polar, at codon 1144 of the TSC2 protein (p.Val1144Ala). This variant is not present in population databases (gnomAD no frequency). This variant has not been reported in the literature in individuals affected with TSC2-related conditions. Advanced modeling of protein sequence and biophysical properties (such as structural, functional, and spatial information, amino acid conservation, physicochemical variation, residue mobility, and thermodynamic stability) performed at Invitae indicates that this missense variant is not expected to disrupt TSC2 protein function. In summary, the available evidence is currently insufficient to determine the role of this variant in disease. Therefore, it has been classified as a Variant of Uncertain Significance.